The following is an entry in ClinVar:

ClinVar aggregate classification (germline): Uncertain significance (1 of 4 stars; one submission).

Conditions:
Generalized epilepsy with febrile seizures plus, type 9 (GEFSP9). Also called: GEFS+, TYPE 9. Identifiers: Orphanet 36387, MedGen C4015395, MONDO:0014517, OMIM 616172.

Allele frequency attached by ClinVar (database versions not stated): gnomAD exomes below 0.00001; gnomAD 0.00001; TOPMed 0.00001.
gnomAD v4.1: 2 of 1,614,030 alleles (0.00012%); highest among the groups gnomAD compares: African/African-American, 0.0027%; no homozygotes.

Submission:

Labcorp Genetics (formerly Invitae), Labcorp
Classification: Uncertain significance for Generalized epilepsy with febrile seizures plus, type 9. Last evaluated: 2024-03-12. Review status: criteria provided, single submitter. Criteria: Invitae Variant Classification Sherloc (09022015). Collection method: clinical testing. Allele origin: germline.
Comment: This sequence change replaces alanine, which is neutral and non-polar, with serine, which is neutral and polar, at codon 85 of the STX1B protein (p.Ala85Ser). This variant is not present in population databases (gnomAD no frequency). This variant has not been reported in the literature in individuals affected with STX1B-related conditions. ClinVar contains an entry for this variant (Variation ID: 1411108). Advanced modeling of protein sequence and biophysical properties (such as structural, functional, and spatial information, amino acid conservation, physicochemical variation, residue mobility, and thermodynamic stability) performed at Invitae indicates that this missense variant is not expected to disrupt STX1B protein function with a negative predictive value of 80%. In summary, the available evidence is currently insufficient to determine the role of this variant in disease. Therefore, it has been classified as a Variant of Uncertain Significance.

NM_052874.5(STX1B):c.253G>T (p.Ala85Ser)

Gene: STX1B (syntaxin 1B; minus strand). Cytogenetic location: 16p11.2.
Variant type: single nucleotide variant.
Coding change: c.253G>T on transcript NM_052874.5 (MANE Select); coding-DNA position 253, G replaced by T.
Protein change: p.Ala85Ser; replaces alanine 85 with serine.
Molecular consequence: missense variant.
Genome position (GRCh38, 1-based): chr16:31,000,955, C>A on the plus strand (G>T on the coding strand, the complement: STX1B is on the minus strand). VCF-style: chr16-31000955-C-A. GRCh37 (hg19) VCF-style: chr16-31012276-C-A.
Other names: short protein forms A85S.
Identifiers: ClinVar variation 1411108 (VCV001411108.6), dbSNP rs1412773144, ClinGen allele CA395651037.